The following is an entry in ClinVar:

ClinVar aggregate classification (germline): Pathogenic (1 of 4 stars; one submission).

Conditions:
Perlman syndrome (PRLMNS). Identifiers: Orphanet 2849, MedGen C0796113, MONDO:0009965, OMIM 267000.

Submission:

Labcorp Genetics (formerly Invitae), Labcorp
Classification: Pathogenic for Perlman syndrome. Last evaluated: 2020-10-30. Review status: criteria provided, single submitter. Criteria: Invitae Variant Classification Sherloc (09022015). Collection method: clinical testing. Allele origin: germline.
Comment: This sequence change creates a premature translational stop signal (p.Ile96Tyrfs*2) in the DIS3L2 gene. It is expected to result in an absent or disrupted protein product. Loss-of-function variants in DIS3L2 are known to be pathogenic (PMID: 22306653, 28328139). This variant is not present in population databases (ExAC no frequency). This variant has not been reported in the literature in individuals with DIS3L2-related conditions. For these reasons, this variant has been classified as Pathogenic.

Literature cited by the submitters: PubMed 22306653; PubMed 28328139.

NM_152383.5(DIS3L2):c.285dup (p.Ile96fs)

Gene: DIS3L2 (DIS3 like 3'-5' exoribonuclease 2; plus strand). Cytogenetic location: 2q37.1.
Variant type: Duplication.
Coding change: c.285dup on transcript NM_152383.5 (MANE Select); coding-DNA position 285, one base duplicated (T; older notation c.285dupT).
Protein change: p.Ile96fs; shifts the reading frame from isoleucine 96.
Molecular consequence: frameshift variant. On other transcripts: non-coding transcript variant (2).
Genome position (GRCh38, 1-based): chr2:232,029,999, T duplicated; the last of 5 consecutive T bases (chr2:232,029,995-232,029,999); duplicating any one gives the same sequence. VCF-style (leftmost placement, unchanged base first): chr2-232029994-A-AT. GRCh37 (hg19) VCF-style: chr2-232894704-A-AT.
Other names: c.285dup, p.Ile96fs (NM_001257281.2, NM_001257282.2); short protein forms I96fs.
Identifiers: ClinVar variation 1398363 (VCV001398363.6), dbSNP rs2106239691, ClinGen allele CA2573135492.